The following is an entry in ClinVar:

ClinVar aggregate classification (germline): Uncertain significance (1 of 4 stars; one submission).

Submission:

GeneDx
Classification: Uncertain significance. Last evaluated: 2023-11-07. Review status: criteria provided, single submitter. Criteria: GeneDx Variant Classification Process June 2021. Collection method: clinical testing. Allele origin: germline. Affected: yes.
Comment: Not observed at significant frequency in large population cohorts (gnomAD); In silico analysis supports that this missense variant has a deleterious effect on protein structure/function; Has not been previously published as pathogenic or benign to our knowledge

NM_032578.4(MYPN):c.2707T>C (p.Tyr903His)

Gene: MYPN (myopalladin; plus strand). Cytogenetic location: 10q21.3.
Variant type: single nucleotide variant.
Coding change: c.2707T>C on transcript NM_032578.4 (MANE Select); coding-DNA position 2707, T replaced by C.
Protein change: p.Tyr903His; replaces tyrosine 903 with histidine.
Molecular consequence: missense variant. On other transcripts: non-coding transcript variant (2).
Genome position (GRCh38, 1-based): chr10:68,188,908, T>C. VCF-style: chr10-68188908-T-C. GRCh37 (hg19) VCF-style: chr10-69948665-T-C.
Other names: c.2707T>C, p.Tyr903His (NM_001256267.2); c.1825T>C, p.Tyr609His (NM_001256268.2); short protein forms Y609H, Y903H.
Identifiers: ClinVar variation 3363786 (VCV003363786.1).